The following is an entry in ClinVar:

NM_001142800.2(EYS):c.4256T>C (p.Leu1419Ser)

Gene: EYS (EGF-like photoreceptor maintenance factor; minus strand). Cytogenetic location: 6q12.
Variant type: single nucleotide variant.
Coding change: c.4256T>C on transcript NM_001142800.2 (MANE Select); coding-DNA position 4256, T replaced by C.
Protein change: p.Leu1419Ser; replaces leucine 1419 with serine.
Molecular consequence: missense variant.
Genome position (GRCh38, 1-based): chr6:64,591,611, A>G on the plus strand (T>C on the coding strand, the complement: EYS is on the minus strand). VCF-style: chr6-64591611-A-G. GRCh37 (hg19) VCF-style: chr6-65301504-A-G.
Other names: p.L1419S:TTA>TCA; c.4256T>C (FM209056.1); c.4256T>C, p.Leu1419Ser (NM_001292009.2); short protein forms L1419S.
Identifiers: ClinVar variation 93611 (VCV000093611.36), dbSNP rs624851, ClinGen allele CA147141.

ClinVar aggregate classification (germline): Benign. Review status: criteria provided, multiple submitters, no conflicts (2 of 4 stars). 13 submissions from 13 submitters: Benign (10). 3 of the submissions do not count toward it. Last evaluated 2026-02-04.

Conditions:
Retinal dystrophy. Also called: Inherited retinal dystrophy. Identifiers: Orphanet 71862, MedGen C0854723, MeSH D058499, MONDO:0019118, HP:0000556.
Retinitis pigmentosa (RP). Identifiers: Orphanet 791, MedGen C0035334, MeSH D012174, MONDO:0019200, OMIM 268000. Inheritance: Autosomal dominant, autosomal recessive and X linked inheritance.
Retinitis pigmentosa 25 (RP25). Identifiers: Orphanet 791, MedGen C1864446, MONDO:0011272, OMIM 602772.

Allele frequency attached by ClinVar (database versions not stated): gnomAD exomes 0.71248 and 0.72860; gnomAD 0.76831 and 0.77065; ESP Exome Variant Server 0.77442; ExAC 0.74697; TOPMed 0.77701; 1000 Genomes Project 0.78155; 1000 Genomes Project 30x 0.78560.
gnomAD v4.1: 1,113,298 of 1,550,802 alleles (72%); highest among the groups gnomAD compares: African/African-American, 94%; 402,452 homozygotes.

Submissions (13):

Labcorp Genetics (formerly Invitae), Labcorp
Classification: Benign. Last evaluated: 2026-02-04. Review status: criteria provided, single submitter. Criteria: Invitae Variant Classification Sherloc (09022015). Collection method: clinical testing. Allele origin: germline.

Blueprint Genetics
Classification: Benign. Last evaluated: 2024-11-27. Review status: criteria provided, single submitter. Criteria: ACMG Guidelines, 2015. Collection method: clinical testing. Allele origin: germline.

ARUP Laboratories, Molecular Genetics and Genomics, ARUP Laboratories
Classification: Benign for Retinitis pigmentosa 25. Last evaluated: 2023-11-29. Review status: criteria provided, single submitter. Criteria: ARUP Molecular Germline Variant Investigation Process 2024. Collection method: clinical testing. Allele origin: germline.

Dept Of Ophthalmology, Nagoya University
Classification: Benign for Retinal dystrophy. Last evaluated: 2023-10-01. Review status: criteria provided, single submitter. Criteria: Submitter's publication. Collection method: research. Allele origin: germline. Affected: yes.

Women's Health and Genetics/Laboratory Corporation of America, LabCorp
Classification: Benign. Last evaluated: 2023-04-17. Review status: criteria provided, single submitter. Criteria: LabCorp Variant Classification Summary - May 2015. Collection method: clinical testing. Allele origin: germline.

Genome-Nilou Lab
Classification: Benign for Retinitis pigmentosa 25. Last evaluated: 2021-07-01. Review status: criteria provided, single submitter. Criteria: ACMG Guidelines, 2015. Collection method: clinical testing. Allele origin: germline. Affected: no.

Illumina Laboratory Services, Illumina
Classification: Benign for Retinitis pigmentosa. Last evaluated: 2018-01-12. Review status: criteria provided, single submitter. Criteria: ICSL Variant Classification Criteria 13 December 2019. Collection method: clinical testing. Allele origin: germline.
Comment: This variant was observed in the ICSL laboratory as part of a predisposition screen in an ostensibly healthy population. It had not been previously curated by ICSL or reported in the Human Gene Mutation Database (HGMD: prior to June 1st, 2018), and was therefore a candidate for classification through an automated scoring system. Utilizing variant allele frequency, disease prevalence and penetrance estimates, and inheritance mode, an automated score was calculated to assess if this variant is too frequent to cause the disease. Based on the score and internal cut-off values, a variant classified as benign is not then subjected to further curation. The score for this variant resulted in a classification of benign for this disease.

Clinical Genetics DNA and cytogenetics Diagnostics Lab, Erasmus MC, Erasmus Medical Center
Classification: Benign for Retinitis pigmentosa 25. Last evaluated: 2015-03-04. Review status: criteria provided, single submitter. Criteria: ACGS Guidelines, 2013. Collection method: clinical testing. Allele origin: germline. Affected: yes. Study: VKGL Data-share Consensus.

Eurofins Ntd Llc (ga)
Classification: Benign. Last evaluated: 2013-08-09. Review status: criteria provided, single submitter. Criteria: EGL Classification Definitions 2015. Collection method: clinical testing. Allele origin: germline. Observed: 14 variant alleles, 7 heterozygotes, 7 homozygotes.

GeneDx
Classification: Benign. Last evaluated: 2011-07-05. Review status: criteria provided, single submitter. Criteria: GeneDx Variant Classification (06012015). Collection method: clinical testing. Allele origin: germline. Affected: yes.
Comment: This variant is considered likely benign or benign based on one or more of the following criteria: it is a conservative change, it occurs at a poorly conserved position in the protein, it is predicted to be benign by multiple in silico algorithms, and/or has population frequency not consistent with disease.

Natera, Inc.
Classification: Benign for Retinitis pigmentosa. Last evaluated: 2020-09-16. Review status: no assertion criteria provided. Collection method: clinical testing. Allele origin: germline. Not counted in ClinVar's aggregate classification.

Diagnostic Laboratory, Department of Genetics, University Medical Center Groningen
Classification: Benign for Retinitis pigmentosa 25. Review status: no assertion criteria provided. Collection method: clinical testing. Allele origin: germline. Affected: yes. Study: VKGL Data-share Consensus. Not counted in ClinVar's aggregate classification.

Joint Genome Diagnostic Labs from Nijmegen and Maastricht, Radboudumc and MUMC+
Classification: Benign. Review status: no assertion criteria provided. Collection method: clinical testing. Allele origin: germline. Affected: yes. Study: VKGL Data-share Consensus. Not counted in ClinVar's aggregate classification.